The following is an entry in ClinVar:

ClinVar aggregate classification (germline): Conflicting classifications of pathogenicity. Review status: criteria provided, conflicting classifications (1 of 4 stars). 5 submissions from 5 submitters: Uncertain significance (4); Likely benign (1). Last evaluated 2026-07-01.

Conditions:
MORC2-related disorder. Also called: MORC2-related condition.
Inborn genetic diseases. Identifiers: MedGen C0950123, MeSH D030342.
Charcot-Marie-Tooth disease axonal type 2Z. Also called: CHARCOT-MARIE-TOOTH DISEASE, AXONAL, AUTOSOMAL DOMINANT, TYPE 2Z; CHARCOT-MARIE-TOOTH NEUROPATHY, TYPE 2Z. Identifiers: Orphanet 466768, MedGen C5569025, MONDO:0014736, OMIM 616688.

Allele frequency attached by ClinVar (database versions not stated): ExAC 0.00006; gnomAD exomes 0.00006; ESP Exome Variant Server 0.00008; gnomAD 0.00010; TOPMed 0.00010.

Submissions (5):

CeGaT Center for Human Genetics Tuebingen
Classification: Likely benign. Last evaluated: 2026-07-01. Review status: criteria provided, single submitter. Criteria: CeGaT Center For Human Genetics Tuebingen Variant Classification Criteria Version 2. Collection method: clinical testing. Allele origin: germline. Affected: yes. Observed: 2 variant alleles.
Comment: MORC2: BS2

PreventionGenetics, part of Exact Sciences
Classification: Uncertain significance for MORC2-related condition. Last evaluated: 2026-03-02. Review status: criteria provided, single submitter. Criteria: ACMG Guidelines, 2015. Collection method: clinical testing. Allele origin: germline.
Comment: The MORC2 c.712C>T variant is predicted to result in the amino acid substitution p.Arg238Cys. To our knowledge, this variant has not been reported in the literature. This variant is reported in 0.012% of alleles in individuals of European (Non-Finnish) descent in gnomAD. At this time, the clinical significance of this variant is uncertain due to the absence of conclusive functional and genetic evidence.

Labcorp Genetics (formerly Invitae), Labcorp
Classification: Uncertain significance for Charcot-Marie-Tooth disease axonal type 2Z. Last evaluated: 2025-09-13. Review status: criteria provided, single submitter. Criteria: Invitae Variant Classification Sherloc (09022015). Collection method: clinical testing. Allele origin: germline.
Comment: This sequence change replaces arginine, which is basic and polar, with cysteine, which is neutral and slightly polar, at codon 238 of the MORC2 protein (p.Arg238Cys). This variant is present in population databases (rs371713427, gnomAD 0.01%). This variant has not been reported in the literature in individuals affected with MORC2-related conditions. ClinVar contains an entry for this variant (Variation ID: 521756). Invitae Evidence Modeling of protein sequence and biophysical properties (such as structural, functional, and spatial information, amino acid conservation, physicochemical variation, residue mobility, and thermodynamic stability) indicates that this missense variant is expected to disrupt MORC2 protein function with a positive predictive value of 80%. In summary, the available evidence is currently insufficient to determine the role of this variant in disease. Therefore, it has been classified as a Variant of Uncertain Significance.

GeneDx
Classification: Uncertain significance. Last evaluated: 2022-12-14. Review status: criteria provided, single submitter. Criteria: GeneDx Variant Classification Process June 2021. Collection method: clinical testing. Allele origin: germline. Affected: yes.
Comment: In silico analysis supports that this missense variant has a deleterious effect on protein structure/function; Has not been previously published as pathogenic or benign to our knowledge; This variant is associated with the following publications: (PMID: 28334961, 28581500, 27329773, 26497905, 28771897, 28402445, 27794525, 27105897, 26912637, 26659848)

Ambry Genetics
Classification: Uncertain significance for Hereditary disease. Last evaluated: 2017-05-02. Review status: criteria provided, single submitter. Criteria: ambry_reporting_categories_2017. Collection method: clinical testing. Allele origin: germline. Affected: yes. Observed: 1 heterozygote. Segregation with disease observed.
Comment: Lines of evidence used in support of classification: UNCERTAIN: Alteration(s) of Uncertain Clinical Significance Detected

Literature cited by the submitters: PubMed 26497905 (cited by Ambry Genetics); PubMed 26659848 (cited by Ambry Genetics); PubMed 27105897 (cited by Ambry Genetics); PubMed 26912637 (cited by Ambry Genetics); PubMed 27329773 (cited by Ambry Genetics); PubMed 27794525 (cited by Ambry Genetics); PubMed 28334961 (cited by Ambry Genetics); PubMed 28402445 (cited by Ambry Genetics); PubMed 28581500 (cited by Ambry Genetics); PubMed 28771897 (cited by Ambry Genetics).

NM_001303256.3(MORC2):c.712C>T (p.Arg238Cys)

Gene: MORC2 (MORC family CW-type zinc finger 2; minus strand). Cytogenetic location: 22q12.2.
Variant type: single nucleotide variant.
Coding change: c.712C>T on transcript NM_001303256.3 (MANE Select); coding-DNA position 712, C replaced by T.
Protein change: p.Arg238Cys; replaces arginine 238 with cysteine.
Molecular consequence: missense variant.
Genome position (GRCh38, 1-based): chr22:30,941,545, G>A on the plus strand (C>T on the coding strand, the complement: MORC2 is on the minus strand). VCF-style: chr22-30941545-G-A. GRCh37 (hg19) VCF-style: chr22-31337532-G-A.
Other names: c.712C>T, p.Arg238Cys (NM_001303257.2); c.526C>T, p.Arg176Cys (NM_014941.3); short protein forms R176C, R238C.
Identifiers: ClinVar variation 521756 (VCV000521756.26), dbSNP rs371713427, ClinGen allele CA10187180.